The following is an entry in ClinVar:

NM_002474.3(MYH11):c.3633G>C (p.Gln1211His)

Gene: MYH11 (myosin heavy chain 11; minus strand). Cytogenetic location: 16p13.11.
Variant type: single nucleotide variant.
Coding change: c.3633G>C on transcript NM_002474.3 (MANE Select); coding-DNA position 3633, G replaced by C.
Protein change: p.Gln1211His; replaces glutamine 1211 with histidine.
Molecular consequence: missense variant.
Genome position (GRCh38, 1-based): chr16:15,732,582, C>G on the plus strand (G>C on the coding strand, the complement: MYH11 is on the minus strand). VCF-style: chr16-15732582-C-G. GRCh37 (hg19) VCF-style: chr16-15826439-C-G.
Other names: c.3654G>C, p.Gln1218His (NM_001040113.2, NM_001040114.2); c.3633G>C, p.Gln1211His (NM_022844.3); short protein forms Q1218H, Q1211H.
Identifiers: ClinVar variation 405467 (VCV000405467.9), dbSNP rs1060500724, ClinGen allele CA16614881.

ClinVar aggregate classification (germline): Uncertain significance. Review status: criteria provided, multiple submitters, no conflicts (2 of 4 stars). 2 submissions from 2 submitters: Uncertain significance (2). Last evaluated 2023-05-16.

Conditions:
Familial thoracic aortic aneurysm and aortic dissection (TAAD). Also called: Thoracic aortic aneurysms and dissections. Identifiers: Orphanet 91387, MedGen C4707243, MONDO:0019625.
Aortic aneurysm, familial thoracic 4 (AAT4). Also called: AORTIC ANEURYSM/AORTIC DISSECTION AND PATENT DUCTUS ARTERIOSUS. Identifiers: MedGen C1851504, MONDO:0007568, OMIM 132900.

Allele frequency attached by ClinVar (database versions not stated): gnomAD exomes below 0.00001; gnomAD 0.00001; TOPMed 0.00001.
gnomAD v4.1: 2 of 1,614,152 alleles (0.00012%); highest among the groups gnomAD compares: Non-Finnish European, 0.00017%; no homozygotes.

Submissions (2):

All of Us Research Program, National Institutes of Health
Classification: Uncertain significance for Familial thoracic aortic aneurysm and aortic dissection. Last evaluated: 2023-05-16. Review status: criteria provided, single submitter. Criteria: ACMG Guidelines, 2015. Collection method: clinical testing. Allele origin: germline. Inheritance: Autosomal dominant inheritance. Observed: 1 variant allele, 1 heterozygote.
Comment: This missense variant replaces glutamine with histidine at codon 1218 of the MYH11 protein. Computational prediction suggests that this variant may have deleterious impact on protein structure and function (internally defined REVEL score threshold >= 0.7, PMID: 27666373). To our knowledge, functional studies have not been reported for this variant. This variant has not been reported in individuals affected with MYH11-related disorders in the literature. This variant has not been identified in the general population by the Genome Aggregation Database (gnomAD). The available evidence is insufficient to determine the role of this variant in disease conclusively. Therefore, this variant is classified as a Variant of Uncertain Significance.

This study involves interpretation of variants in research participants for the purpose of population health screening. Participant phenotype was not available at the time of variant classification. Additional details can be found in publication PMID: 35346344, PMCID: PMC8962531

Labcorp Genetics (formerly Invitae), Labcorp
Classification: Uncertain significance for Aortic aneurysm, familial thoracic 4. Last evaluated: 2016-11-25. Review status: criteria provided, single submitter. Criteria: Invitae Variant Classification Sherloc (09022015). Collection method: clinical testing. Allele origin: germline.
Comment: This variant is not present in population databases (ExAC no frequency) and has not been reported in the literature in individuals with a MYH11-related disease. In summary, this variant is a novel missense change with uncertain impact on protein function. It has been classified as a Variant of Uncertain Significance. Algorithms developed to predict the effect of missense changes on protein structure and function do not agree on the potential impact of this missense change (SIFT: "Deleterious"; PolyPhen-2: "Benign"; Align-GVGD: "Class C15"). This sequence change replaces glutamine with histidine at codon 1218 of the MYH11 protein (p.Gln1218His). The glutamine residue is highly conserved and there is a small physicochemical difference between glutamine and histidine.